The following is an entry in ClinVar:

Conditions:
Breast-ovarian cancer, familial, susceptibility to, 1 (BROVCA1). Also called: BRCA1 Hereditary Breast and Ovarian Cancer; OVARIAN CANCER, SUSCEPTIBILITY TO. Identifiers: Orphanet 145, MedGen C2676676, MONDO:0011450, OMIM 604370. Disease mechanism: loss of function.

Submission:

Brotman Baty Institute, University of Washington
No classification provided (evidence only). Condition: Breast-ovarian cancer, familial 1. Review status: no classification provided. Collection method: in vitro. Allele origin: not applicable. Functional consequence: function_uncertain_variant.
ClinVar note: "not provided" was previously submitted as the classification for the variant. However, the classification appeared to be based only on an observation of functional data so it was converted to no classification on 2025-07-30.

NM_007294.4(BRCA1):c.5278A>T (p.Ile1760Phe)

Gene: BRCA1 (BRCA1 DNA repair associated; minus strand). Cytogenetic location: 17q21.31.
Variant type: single nucleotide variant.
Coding change: c.5278A>T on transcript NM_007294.4 (MANE Select); coding-DNA position 5278, A replaced by T.
Protein change: p.Ile1760Phe; replaces isoleucine 1760 with phenylalanine.
Molecular consequence: missense variant. On other transcripts: non-coding transcript variant (1).
Genome position (GRCh38, 1-based): chr17:43,051,117, T>A on the plus strand (A>T on the coding strand, the complement: BRCA1 is on the minus strand). VCF-style: chr17-43051117-T-A. GRCh37 (hg19) VCF-style: chr17-41203134-T-A.
Other names: c.5065A>T, p.Ile1689Phe (NM_001407571.1, NM_001407896.1, NM_001407897.1 and 12 more transcripts); c.5344A>T, p.Ile1782Phe (NM_001407581.1, NM_001407582.1); c.5341A>T, p.Ile1781Phe (NM_001407583.1, NM_001407585.1, NM_001407587.1 and 1 more transcripts); c.5338A>T, p.Ile1780Phe (NM_001407590.1, NM_001407591.1); c.5278A>T, p.Ile1760Phe (NM_001407593.1, NM_001407594.1, NM_001407596.1 and 6 more transcripts); c.5275A>T, p.Ile1759Phe (NM_001407610.1, NM_001407611.1, NM_001407612.1 and 17 more transcripts); c.5272A>T, p.Ile1758Phe (NM_001407627.1, NM_001407628.1, NM_001407629.1 and 14 more transcripts); c.5269A>T, p.Ile1757Phe (NM_001407644.1, NM_001407645.1); and 72 more; short protein forms I1760F, I1713F, I656F, I1781F, I1606F, I1671F, I1693F, I1711F.
Identifiers: ClinVar variation 865260 (VCV000865260.3), dbSNP rs2051214609, ClinGen allele CA10590989.